The following is an entry in ClinVar:

ClinVar aggregate classification (germline): Uncertain significance (1 of 4 stars; one submission).

Allele frequency attached by ClinVar (database versions not stated): gnomAD exomes below 0.00001; TOPMed below 0.00001; gnomAD 0.00001.
gnomAD v4.1: 3 of 1,614,058 alleles (0.00019%); highest among the groups gnomAD compares: Non-Finnish European, 0.00025%; no homozygotes.

Submission:

Labcorp Genetics (formerly Invitae), Labcorp
Classification: Uncertain significance. Last evaluated: 2021-12-07. Review status: criteria provided, single submitter. Criteria: Invitae Variant Classification Sherloc (09022015). Collection method: clinical testing. Allele origin: germline.
Comment: This sequence change replaces alanine, which is neutral and non-polar, with threonine, which is neutral and polar, at codon 445 of the TRMT5 protein (p.Ala445Thr). The frequency data for this variant in the population databases is considered unreliable, as metrics indicate poor data quality at this position in the gnomAD database. This variant has not been reported in the literature in individuals affected with TRMT5-related conditions. Algorithms developed to predict the effect of missense changes on protein structure and function output the following: SIFT: "Tolerated"; PolyPhen-2: "Benign"; Align-GVGD: "Class C0". The threonine amino acid residue is found in multiple mammalian species, which suggests that this missense change does not adversely affect protein function. In summary, the available evidence is currently insufficient to determine the role of this variant in disease. Therefore, it has been classified as a Variant of Uncertain Significance.

NM_020810.3(TRMT5):c.1333G>A (p.Ala445Thr)

Gene: TRMT5 (tRNA methyltransferase 5; minus strand). Cytogenetic location: 14q23.1.
Variant type: single nucleotide variant.
Coding change: c.1333G>A on transcript NM_020810.3 (MANE Select); coding-DNA position 1333, G replaced by A.
Protein change: p.Ala445Thr; replaces alanine 445 with threonine.
Molecular consequence: missense variant.
Genome position (GRCh38, 1-based): chr14:60,975,586, C>T on the plus strand (G>A on the coding strand, the complement: TRMT5 is on the minus strand). VCF-style: chr14-60975586-C-T. GRCh37 (hg19) VCF-style: chr14-61442304-C-T.
Other names: c.1417G>A, p.Ala473Thr (NM_001350253.1); c.1414G>A, p.Ala472Thr (NM_001350254.1); short protein forms A473T, A445T, A472T.
Identifiers: ClinVar variation 1426941 (VCV001426941.8), dbSNP rs1299374217, ClinGen allele CA389918908.